The following is an entry in ClinVar:

NM_003737.4(DCHS1):c.8292A>G (p.Thr2764=)

Gene: DCHS1 (dachsous cadherin-related 1; minus strand). Cytogenetic location: 11p15.4.
Variant type: single nucleotide variant.
Coding change: c.8292A>G on transcript NM_003737.4 (MANE Select); coding-DNA position 8292, A replaced by G.
Protein change: p.Thr2764=; no amino-acid change (threonine 2764 retained).
Molecular consequence: synonymous variant.
Genome position (GRCh38, 1-based): chr11:6,623,384, T>C on the plus strand (A>G on the coding strand, the complement: DCHS1 is on the minus strand). VCF-style: chr11-6623384-T-C. GRCh37 (hg19) VCF-style: chr11-6644615-T-C.
Identifiers: ClinVar variation 732611 (VCV000732611.16), dbSNP rs763012228, ClinGen allele CA5859455.
Genomic context (GRCh38, chr11:6,623,384, plus strand): 5'-CAGCAGCCGGAAGCTTTCTGTGTGCTCATAGTCAAAGGGCACTCGCGCACGCAACTCCCC[T>C]GTTGAGCTGTTCAGTGCAAATGCCTCACGGCCCTCAGGTCCTGGCCCAGCCTCCAACAGG-3'
Protein context (NP_003728.1, residues 2754-2774): GREAFALNSS[Thr2764=]GELRARVPFD

ClinVar aggregate classification (germline): Benign/Likely benign. Review status: criteria provided, multiple submitters, no conflicts (2 of 4 stars). 3 submissions from 3 submitters: Benign (1); Likely benign (2). Last evaluated 2025-10-28.

Allele frequency attached by ClinVar (database versions not stated): gnomAD 0.00003; TOPMed 0.00011; gnomAD exomes 0.00014 and 0.00035; ExAC 0.00029.
gnomAD v4.1: 90 of 1,597,838 alleles (0.0056%); highest among the groups gnomAD compares: Admixed American, 0.15%; no homozygotes.

Submissions (3):

Labcorp Genetics (formerly Invitae), Labcorp
Classification: Benign. Last evaluated: 2025-10-28. Review status: criteria provided, single submitter. Criteria: Invitae Variant Classification Sherloc (09022015). Collection method: clinical testing. Allele origin: germline.

CeGaT Center for Human Genetics Tuebingen
Classification: Likely benign. Last evaluated: 2025-10-01. Review status: criteria provided, single submitter. Criteria: CeGaT Center For Human Genetics Tuebingen Variant Classification Criteria Version 2. Collection method: clinical testing. Allele origin: germline. Affected: yes. Observed: 1 variant allele.
Comment: DCHS1: BP4, BP7

GeneDx
Classification: Likely benign. Last evaluated: 2019-07-01. Review status: criteria provided, single submitter. Criteria: GeneDx Variant Classification Process June 2021. Collection method: clinical testing. Allele origin: germline. Affected: yes.
Comment: See Variant Classification Assertion Criteria.